The following is an entry in ClinVar:

ClinVar aggregate classification (germline): Uncertain significance (1 of 4 stars; one submission).

Conditions:
Hereditary cancer-predisposing syndrome. Also called: Neoplastic Syndromes, Hereditary; Tumor predisposition; Hereditary Cancer Syndrome; Hereditary neoplastic syndrome. Identifiers: Orphanet 140162, MedGen C0027672, MeSH D009386, MONDO:0015356.

Submission:

Ambry Genetics
Classification: Uncertain significance for Hereditary cancer-predisposing syndrome. Last evaluated: 2026-04-20. Review status: criteria provided, single submitter. Criteria: Ambry Variant Classification Scheme 2023. Collection method: clinical testing. Allele origin: germline.
Comment: The p.T1500S variant (also known as c.4498A>T), located in coding exon 29 of the ALK gene, results from an A to T substitution at nucleotide position 4498. The threonine at codon 1500 is replaced by serine, an amino acid with similar properties. This amino acid position is conserved. In addition, the in silico prediction for this alteration is inconclusive. Based on the available evidence, the clinical significance of this variant remains unclear.

NM_004304.5(ALK):c.4498A>T (p.Thr1500Ser)

Gene: ALK (ALK receptor tyrosine kinase; minus strand). Cytogenetic location: 2p23.2.
Variant type: single nucleotide variant.
Coding change: c.4498A>T on transcript NM_004304.5 (MANE Select); coding-DNA position 4498, A replaced by T.
Protein change: p.Thr1500Ser; replaces threonine 1500 with serine.
Molecular consequence: missense variant.
Genome position (GRCh38, 1-based): chr2:29,193,589, T>A on the plus strand (A>T on the coding strand, the complement: ALK is on the minus strand). VCF-style: chr2-29193589-T-A. GRCh37 (hg19) VCF-style: chr2-29416455-T-A.
Other names: c.1294A>T, p.Thr432Ser (NM_001353765.2); short protein forms T1500S, T432S.
Identifiers: ClinVar variation 4870108 (VCV004870108.1).